The following is an entry in ClinVar:

NM_001182.5(ALDH7A1):c.568A>G (p.Ile190Val)

Gene: ALDH7A1 (aldehyde dehydrogenase 7 family member A1; minus strand). Cytogenetic location: 5q23.2.
Variant type: single nucleotide variant.
Coding change: c.568A>G on transcript NM_001182.5 (MANE Select); coding-DNA position 568, A replaced by G.
Protein change: p.Ile190Val; replaces isoleucine 190 with valine.
Molecular consequence: missense variant.
Genome position (GRCh38, 1-based): chr5:126,577,161, T>C on the plus strand (A>G on the coding strand, the complement: ALDH7A1 is on the minus strand). VCF-style: chr5-126577161-T-C. GRCh37 (hg19) VCF-style: chr5-125912853-T-C.
Other names: c.484A>G, p.Ile162Val (NM_001201377.2); c.568A>G, p.Ile190Val (NM_001202404.2); short protein forms I162V, I190V.
Identifiers: ClinVar variation 1435500 (VCV001435500.3), dbSNP rs2112794630, ClinGen allele CA360731150.
Genomic context (GRCh38, chr5:126,577,161, plus strand): 5'-TCATGGCGATGGCGTTGTTCCAACCATACACTGCCACAGGGAAATTGAATGCCGTGATGA[T>C]TCCAACCAGGCCTACGGGATTCCACTGCTCAATCAGTGCATGGCCAGATCCTGAGGACAG-3'
Protein context (NP_001173.2, residues 180-200): EQWNPVGLVG[Ile190Val]ITAFNFPVAV

ClinVar aggregate classification (germline): Uncertain significance (1 of 4 stars; one submission).

Conditions:
Pyridoxine-dependent epilepsy (EPEO4). Also called: Pyridoxine-Dependent Epilepsy - ALDH7A1; PYRIDOXINE DEPENDENCY WITH SEIZURES; EPILEPSY, EARLY-ONSET, 4, VITAMIN B6-DEPENDENT; Pyridoxine-Dependent Seizures. Identifiers: Orphanet 3006, MedGen C1849508, MONDO:0009945, OMIM 266100. Disease mechanism: loss of function.

Allele frequency attached by ClinVar (database versions not stated): gnomAD exomes below 0.00001.
gnomAD v4.1: 3 of 1,614,160 alleles (0.00019%); highest among the groups gnomAD compares: Non-Finnish European, 0.00017%; no homozygotes.

Submission:

Labcorp Genetics (formerly Invitae), Labcorp
Classification: Uncertain significance for Pyridoxine-dependent epilepsy. Last evaluated: 2022-05-13. Review status: criteria provided, single submitter. Criteria: Invitae Variant Classification Sherloc (09022015). Collection method: clinical testing. Allele origin: germline.
Comment: This sequence change replaces isoleucine, which is neutral and non-polar, with valine, which is neutral and non-polar, at codon 190 of the ALDH7A1 protein (p.Ile190Val). This variant is not present in population databases (gnomAD no frequency). This variant has not been reported in the literature in individuals affected with ALDH7A1-related conditions. Advanced modeling of protein sequence and biophysical properties (such as structural, functional, and spatial information, amino acid conservation, physicochemical variation, residue mobility, and thermodynamic stability) performed at Invitae indicates that this missense variant is not expected to disrupt ALDH7A1 protein function. In summary, the available evidence is currently insufficient to determine the role of this variant in disease. Therefore, it has been classified as a Variant of Uncertain Significance.